The following is an entry in ClinVar:

ClinVar aggregate classification (germline): Pathogenic/Likely pathogenic. Review status: criteria provided, multiple submitters, no conflicts (2 of 4 stars). 6 submissions from 6 submitters: Pathogenic (3); Likely pathogenic (3). Last evaluated 2026-01-01.

Conditions:
Deficiency of alpha-mannosidase (MANSA). Also called: LYSOSOMAL ALPHA-D-MANNOSIDASE DEFICIENCY; Mannosidosis, alpha-, types I and II; Alpha-Mannosidosis. Identifiers: Orphanet 61, MedGen C0024748, MONDO:0009561, OMIM 248500.

Submissions (6):

Variantyx, Inc.
Classification: Likely pathogenic for Deficiency of alpha-mannosidase. Last evaluated: 2026-01-01. Review status: criteria provided, single submitter. Criteria: Variantyx Assertion Criteria 2022. Collection method: clinical testing. Allele origin: germline. Inheritance: Autosomal recessive inheritance. Affected: no.
Comment: This is a frameshift variant in the MAN2B1 gene (OMIM: 609458). Pathogenic variants in this gene have been associated with autosomal recessive alpha-mannosidosis, types I and II. This variant introduces a premature termination codon in exon 3 out of 24 and is expected to result in loss of function, which is a known disease mechanism for MAN2B1 in this disorder (PMID:9915946) (PVS1) It has a 0.0033% maximum allele frequency in non-founder control populations (PM2). Based on the current evidence, this variant is classified as likely pathogenic for autosomal recessive alpha-mannosidosis, types I and II.

Labcorp Genetics (formerly Invitae), Labcorp
Classification: Pathogenic for Deficiency of alpha-mannosidase. Last evaluated: 2025-12-19. Review status: criteria provided, single submitter. Criteria: Invitae Variant Classification Sherloc (09022015). Collection method: clinical testing. Allele origin: germline.
Comment: This sequence change creates a premature translational stop signal (p.Val143Cysfs*14) in the MAN2B1 gene. It is expected to result in an absent or disrupted protein product. Loss-of-function variants in MAN2B1 are known to be pathogenic (PMID: 9915946, 22161967). This variant is not present in population databases (gnomAD no frequency). This variant has not been reported in the literature in individuals affected with MAN2B1-related conditions. ClinVar contains an entry for this variant (Variation ID: 844937). For these reasons, this variant has been classified as Pathogenic.

Natera, Inc.
Classification: Likely pathogenic for Alpha-mannosidosis. Last evaluated: 2025-11-24. Review status: criteria provided, single submitter. Criteria: Natera Variant Classification Schema (03/2026). Collection method: clinical testing. Allele origin: germline.
Comment: The c.426delT variant in MAN2B1 is a frameshift variant predicted to shift the reading frame beginning at codon 143 and leads to a stop codon 14 codons downstream. This variant is expected to result in nonsense mediated decay, truncation, or a dysfunctional protein product. This variant is rare in the general population with a frequency below the threshold expected for the associated phenotype(s). Given the available evidence, this variant is classified as Likely Pathogenic.

GeneDx
Classification: Pathogenic. Last evaluated: 2024-10-15. Review status: criteria provided, single submitter. Criteria: GeneDx Variant Classification Process June 2021. Collection method: clinical testing. Allele origin: germline. Affected: yes.
Comment: Frameshift variant predicted to result in protein truncation or nonsense mediated decay in a gene for which loss of function is a known mechanism of disease; Not observed at significant frequency in large population cohorts (gnomAD); Has not been previously published as pathogenic or benign to our knowledge

Fulgent Genetics
Classification: Likely pathogenic for Deficiency of alpha-mannosidase. Last evaluated: 2024-01-30. Review status: criteria provided, single submitter. Criteria: ACMG Guidelines, 2015. Collection method: clinical testing. Allele origin: germline.

Genome-Nilou Lab
Classification: Pathogenic for Deficiency of alpha-mannosidase. Last evaluated: 2021-09-05. Review status: criteria provided, single submitter. Criteria: ACMG Guidelines, 2015. Collection method: clinical testing. Allele origin: germline. Affected: no.

Literature cited by the submitters: PubMed 9915946 (cited by Variantyx, Inc. and Labcorp Genetics (formerly Invitae), Labcorp); PubMed 22161967 (cited by Labcorp Genetics (formerly Invitae), Labcorp).

NM_000528.4(MAN2B1):c.426del (p.Val143fs)

Gene: MAN2B1 (mannosidase alpha class 2B member 1; minus strand). Cytogenetic location: 19p13.13.
Variant type: Deletion.
Coding change: c.426del on transcript NM_000528.4 (MANE Select); coding-DNA position 426, one base deleted (T; older notation c.426delT).
Protein change: p.Val143fs; shifts the reading frame from valine 143.
Molecular consequence: frameshift variant.
Genome position (GRCh38, 1-based): chr19:12,665,362, A deleted on the plus strand (T on the coding strand, the reverse complement: MAN2B1 is on the minus strand); the first of 2 consecutive A bases (chr19:12,665,362-12,665,363); deleting either gives the same sequence. VCF-style (leftmost placement, unchanged base first): chr19-12665361-CA-C. GRCh37 (hg19) VCF-style: chr19-12776175-CA-C.
Other names: c.426del, p.Val143fs (NM_001173498.2); c.426delT (NM_000528.3); short protein forms V143fs.
Identifiers: ClinVar variation 844937 (VCV000844937.15), dbSNP rs2024205685, ClinGen allele CA916083682.